The following is an entry in ClinVar:

ClinVar aggregate classification (germline): Uncertain significance (1 of 4 stars; one submission).

Allele frequency attached by ClinVar (database versions not stated): gnomAD exomes below 0.00001; ExAC 0.00001; gnomAD 0.00001 and 0.00003; TOPMed 0.00001 and 0.00002.
gnomAD v4.1: 23 of 1,610,242 alleles (0.0014%); highest among the groups gnomAD compares: Non-Finnish European, 0.002%; no homozygotes.

Submission:

Labcorp Genetics (formerly Invitae), Labcorp
Classification: Uncertain significance. Last evaluated: 2023-06-02. Review status: criteria provided, single submitter. Criteria: Invitae Variant Classification Sherloc (09022015). Collection method: clinical testing. Allele origin: germline.
Comment: This sequence change replaces leucine, which is neutral and non-polar, with methionine, which is neutral and non-polar, at codon 1026 of the JAK2 protein (p.Leu1026Met). The frequency data for this variant in the population databases is considered unreliable, as metrics indicate poor data quality at this position in the gnomAD database. This variant has not been reported in the literature in individuals affected with JAK2-related conditions. Advanced modeling of protein sequence and biophysical properties (such as structural, functional, and spatial information, amino acid conservation, physicochemical variation, residue mobility, and thermodynamic stability) has been performed at Invitae for this missense variant, however the output from this modeling did not meet the statistical confidence thresholds required to predict the impact of this variant on JAK2 protein function. In summary, the available evidence is currently insufficient to determine the role of this variant in disease. Therefore, it has been classified as a Variant of Uncertain Significance.

NM_004972.4(JAK2):c.3076C>A (p.Leu1026Met)

Genes: INSL6 (insulin like 6; minus strand), JAK2 (Janus kinase 2; plus strand). Cytogenetic location: 9p24.1.
Variant type: single nucleotide variant.
Coding change: c.3076C>A on transcript NM_004972.4 (MANE Select); coding-DNA position 3076, C replaced by A.
Protein change: p.Leu1026Met; replaces leucine 1026 with methionine.
Molecular consequence: missense variant. On other transcripts: non-coding transcript variant (2).
Genome position (GRCh38, 1-based): chr9:5,123,020, C>A. VCF-style: chr9-5123020-C-A. GRCh37 (hg19) VCF-style: chr9-5123020-C-A.
Other names: c.3076C>A, p.Leu1026Met (NM_001322194.2, NM_001322195.2, NM_001322196.2); c.1861C>A, p.Leu621Met (NM_001322198.2, NM_001322199.2); c.2629C>A, p.Leu877Met (NM_001322204.2); short protein forms L1026M, L621M, L877M.
Identifiers: ClinVar variation 2975809 (VCV002975809.3), dbSNP rs774801005, ClinGen allele CA4972345.
Genomic context (GRCh38, chr9:5,123,020, plus strand): 5'-CATATCAAGTAACTGTCTTTTAAATGTTATTCATATATTTACAGGTATGCTCCAGAATCA[C>A]TGACAGAGAGCAAGTTTTCTGTGGCCTCAGATGTTTGGAGCTTTGGAGTGGTTCTGTATG-3'
Protein context (NP_004963.1, residues 1016-1036): SPIFWYAPES[Leu1026Met]TESKFSVASD